The following is an entry in ClinVar:

NM_001001957.2(OR2W3):c.304T>A (p.Phe102Ile)

Gene: OR2W3 (olfactory receptor family 2 subfamily W member 3; plus strand). Cytogenetic location: 1q44.
Variant type: single nucleotide variant.
Coding change: c.304T>A on transcript NM_001001957.2 (MANE Select); coding-DNA position 304, T replaced by A.
Protein change: p.Phe102Ile; replaces phenylalanine 102 with isoleucine.
Molecular consequence: missense variant.
Genome position (GRCh38, 1-based): chr1:247,895,890, T>A. VCF-style: chr1-247895890-T-A. GRCh37 (hg19) VCF-style: chr1-248059192-T-A.
Other names: short protein forms F102I.
Identifiers: ClinVar variation 4749853 (VCV004749853.1).

ClinVar aggregate classification (germline): Uncertain significance (1 of 4 stars; one submission).

gnomAD v4.1: 12 of 1,614,046 alleles (0.00074%); highest among the groups gnomAD compares: African/African-American, 0.0013%; no homozygotes.

Submission:

Labcorp Genetics (formerly Invitae), Labcorp
Classification: Uncertain significance. Last evaluated: 2025-09-04. Review status: criteria provided, single submitter. Criteria: Invitae Variant Classification Sherloc (09022015). Collection method: clinical testing. Allele origin: germline.
Comment: This sequence change replaces phenylalanine, which is neutral and non-polar, with isoleucine, which is neutral and non-polar, at codon 102 of the OR2W3 protein (p.Phe102Ile). This variant is present in population databases (rs374087553, gnomAD 0.003%). This variant has not been reported in the literature in individuals affected with OR2W3-related conditions. An algorithm developed to predict the effect of missense changes on protein structure and function (PolyPhen-2) suggests that this variant is likely to be tolerated. In summary, the available evidence is currently insufficient to determine the role of this variant in disease. Therefore, it has been classified as a Variant of Uncertain Significance.